The following is an entry in ClinVar:

NM_001127898.4(CLCN5):c.165G>A (p.Glu55=)

Gene: CLCN5 (Cl-/H+ antiporter 5; plus strand). Cytogenetic location: Xp11.23.
Variant type: single nucleotide variant.
Coding change: c.165G>A on transcript NM_001127898.4 (MANE Select); coding-DNA position 165, G replaced by A.
Protein change: p.Glu55=; no amino-acid change (glutamic acid 55 retained).
Molecular consequence: synonymous variant. On other transcripts: 5 prime UTR variant (1), non-coding transcript variant (1).
Genome position (GRCh38, 1-based): chrX:50,069,880, G>A. VCF-style: chrX-50069880-G-A. GRCh37 (hg19) VCF-style: chrX-49834535-G-A.
Other names: c.-46G>A (NM_000084.5); c.165G>A, p.Glu55= (NM_001127899.4); c.15G>A, p.Glu5= (NM_001282163.2); c.177G>A, p.Glu59= (NM_001440756.1, NM_001440757.1).
Identifiers: ClinVar variation 4976269 (VCV004976269.1).
Genomic context (GRCh38, chrX:50,069,880, plus strand): 5'-ATGTATTAAAAATGTTAAGAATTTCTGAAGTACTAATGTCTATTTCTTGTTCAATACAGA[G>A]GACAAGTCGTACAATGGTGGAGGAATAGGTTCTTCAAATAGGATCATGGACTTCTTGGAG-3'
Protein context (NP_001121370.1, residues 45-65): DVPPLDREVG[Glu55=]DKSYNGGGIG

ClinVar aggregate classification (germline): Uncertain significance (1 of 4 stars; one submission).

gnomAD v4.1: 3 of 1,203,346 alleles (0.00025%); highest among the groups gnomAD compares: African/African-American, 0.0035%; no homozygotes.

Submission:

GeneDx
Classification: Uncertain significance. Last evaluated: 2026-02-14. Review status: criteria provided, single submitter. Criteria: GeneDx Variant Classification Process June 2021. Collection method: clinical testing. Allele origin: germline.
Comment: Not observed at significant frequency in large population cohorts (gnomAD); Has not been previously published as pathogenic or benign to our knowledge; Reported using an alternate transcript of the gene